The following is an entry in ClinVar:

NM_000138.5(FBN1):c.4829G>C (p.Cys1610Ser)

Gene: FBN1 (fibrillin 1; minus strand). Cytogenetic location: 15q21.1.
Variant type: single nucleotide variant.
Coding change: c.4829G>C on transcript NM_000138.5 (MANE Select); coding-DNA position 4829, G replaced by C.
Protein change: p.Cys1610Ser; replaces cysteine 1610 with serine.
Molecular consequence: missense variant.
Genome position (GRCh38, 1-based): chr15:48,465,681, C>G on the plus strand (G>C on the coding strand, the complement: FBN1 is on the minus strand). VCF-style: chr15-48465681-C-G. GRCh37 (hg19) VCF-style: chr15-48757878-C-G.
Other names: c.4829G>C, p.Cys1610Ser (NM_001406716.1); short protein forms C1610S.
Identifiers: ClinVar variation 5021594 (VCV005021594.1).

ClinVar aggregate classification (germline): Likely pathogenic (1 of 4 stars; one submission).

Conditions:
Familial thoracic aortic aneurysm and aortic dissection (TAAD). Also called: Thoracic aortic aneurysms and dissections. Identifiers: Orphanet 91387, MedGen C4707243, MONDO:0019625.

Submission:

Ambry Genetics
Classification: Likely pathogenic for Familial thoracic aortic aneurysm and aortic dissection. Last evaluated: 2026-07-31. Review status: criteria provided, single submitter. Criteria: Ambry Variant Classification Scheme 2023. Collection method: clinical testing. Allele origin: germline.
Comment: The p.C1610S variant (also known as c.4829G>C), located in coding exon 39 of the FBN1 gene, results from a G to C substitution at nucleotide position 4829. The cysteine at codon 1610 is replaced by serine, an amino acid with dissimilar properties. Other variant(s) at the same codon, p.C1610G (c.4828T>G) have been identified in individual(s) with features consistent with Marfan syndrome (Hayward C et al. Hum Mutat, 1997;10:280-9). The majority of FBN1 mutations identified to date have involved the substitution or generation of cysteine residues within cbEGF domains (Vollbrandt T et al. J Biol Chem. 2004;279(31):32924-32931). Internal structural analysis indicates this variant eliminates a disulfide bond critical for the structural integrity of the cbEGF23 domain (Ambry internal data). This amino acid position is highly conserved in available vertebrate species. In addition, this alteration is predicted to be deleterious by in silico analysis. This variant is considered to be rare based on population cohorts in the Genome Aggregation Database (gnomAD). Based on the majority of available evidence to date, this variant is likely to be pathogenic.